The following is an entry in ClinVar:

ClinVar aggregate classification (germline): Uncertain significance. Review status: criteria provided, multiple submitters, no conflicts (2 of 4 stars). 2 submissions from 2 submitters: Uncertain significance (2). Last evaluated 2026-04-19.

Conditions:
Renal cell carcinoma. Identifiers: Orphanet 217071, MedGen C0007134, MeSH D002292, MONDO:0005086, HP:0005584.
Hereditary cancer-predisposing syndrome. Also called: Neoplastic Syndromes, Hereditary; Tumor predisposition; Hereditary Cancer Syndrome; Hereditary neoplastic syndrome. Identifiers: Orphanet 140162, MedGen C0027672, MeSH D009386, MONDO:0015356.

Allele frequency attached by ClinVar (database versions not stated): gnomAD exomes below 0.00001.
gnomAD v4.1: 1 of 1,614,064 alleles (0.000062%); highest among the groups gnomAD compares: African/African-American, 0.0013%; no homozygotes.

Submissions (2):

Ambry Genetics
Classification: Uncertain significance for Hereditary cancer-predisposing syndrome. Last evaluated: 2026-04-19. Review status: criteria provided, single submitter. Criteria: Ambry Variant Classification Scheme 2023. Collection method: clinical testing. Allele origin: germline.
Comment: The p.K508E variant (also known as c.1522A>G), located in coding exon 3 of the MET gene, results from an A to G substitution at nucleotide position 1522. The lysine at codon 508 is replaced by glutamic acid, an amino acid with similar properties. This amino acid position is conserved. In addition, this alteration is predicted to be tolerated by in silico analysis. Based on the available evidence, the clinical significance of this variant remains unclear.

Labcorp Genetics (formerly Invitae), Labcorp
Classification: Uncertain significance for Renal cell carcinoma. Last evaluated: 2022-02-09. Review status: criteria provided, single submitter. Criteria: Invitae Variant Classification Sherloc (09022015). Collection method: clinical testing. Allele origin: germline.
Comment: This sequence change replaces lysine, which is basic and polar, with glutamic acid, which is acidic and polar, at codon 508 of the MET protein (p.Lys508Glu). This variant is not present in population databases (gnomAD no frequency). This variant has not been reported in the literature in individuals affected with MET-related conditions. Algorithms developed to predict the effect of missense changes on protein structure and function (SIFT, PolyPhen-2, Align-GVGD) all suggest that this variant is likely to be tolerated. In summary, the available evidence is currently insufficient to determine the role of this variant in disease. Therefore, it has been classified as a Variant of Uncertain Significance.

NM_000245.4(MET):c.1522A>G (p.Lys508Glu)

Gene: MET (MET proto-oncogene, receptor tyrosine kinase; plus strand). Cytogenetic location: 7q31.2.
Variant type: single nucleotide variant.
Coding change: c.1522A>G on transcript NM_000245.4 (MANE Select); coding-DNA position 1522, A replaced by G.
Protein change: p.Lys508Glu; replaces lysine 508 with glutamic acid.
Molecular consequence: missense variant.
Genome position (GRCh38, 1-based): chr7:116,740,079, A>G. VCF-style: chr7-116740079-A-G. GRCh37 (hg19) VCF-style: chr7-116380133-A-G.
Other names: c.1522A>G, p.Lys508Glu (NM_001127500.3, NM_001324401.3); c.232A>G, p.Lys78Glu (NM_001324402.2); short protein forms K508E, K78E.
Identifiers: ClinVar variation 1917760 (VCV001917760.6), dbSNP rs2116828420, ClinGen allele CA368974344.